The following is an entry in ClinVar:

ClinVar aggregate classification (germline): Pathogenic (1 of 4 stars; one submission).

Conditions:
Hereditary cancer-predisposing syndrome. Also called: Hereditary Cancer Syndrome; Tumor predisposition; Hereditary neoplastic syndrome; Neoplastic Syndromes, Hereditary. Identifiers: Orphanet 140162, MedGen C0027672, MeSH D009386, MONDO:0015356.

Submission:

Ambry Genetics
Classification: Pathogenic for Hereditary cancer-predisposing syndrome. Last evaluated: 2024-07-23. Review status: criteria provided, single submitter. Criteria: Ambry Variant Classification Scheme 2023. Collection method: clinical testing. Allele origin: germline.
Comment: The c.450_452delATAinsTTAT pathogenic mutation, located in coding exon 2 of the MSH6 gene, results from the deletion of 3 nucleotides and insertion of 4 nucleotides causing a translational frameshift with a predicted alternate stop codon (p.T152Yfs*20). This variant is considered to be rare based on population cohorts in the Genome Aggregation Database (gnomAD). This alteration is expected to result in loss of function by premature protein truncation or nonsense-mediated mRNA decay. As such, this alteration is interpreted as a disease-causing mutation.

NM_000179.3(MSH6):c.450_452delinsTTAT (p.Thr152fs)

Gene: MSH6 (mutS homolog 6; plus strand). Cytogenetic location: 2p16.3.
Variant type: Indel.
Coding change: c.450_452delinsTTAT on transcript NM_000179.3 (MANE Select); coding-DNA positions 450 to 452, ATA replaced by TTAT.
Protein change: p.Thr152fs; shifts the reading frame from threonine 152.
Molecular consequence: frameshift variant. On other transcripts: 5 prime UTR variant (7), non-coding transcript variant (5), intron variant (6).
Genome position (GRCh38, 1-based): chr2:47,791,116-47,791,118, ATA replaced by TTAT. VCF-style: chr2-47791116-ATA-TTAT. GRCh37 (hg19) VCF-style: chr2-48018255-ATA-TTAT.
Other names: c.-287_-285delinsTTAT (NM_001281493.2, NM_001406811.1, NM_001406823.1 and 1 more transcripts); c.-453_-451delinsTTAT (NM_001281494.2); c.546_548delinsTTAT, p.Thr184fs (NM_001406795.1, NM_001406802.1); c.450_452delinsTTAT, p.Thr152fs (NM_001406796.1, NM_001406798.1, NM_001406800.1 and 6 more transcripts); c.153_155delinsTTAT, p.Thr53fs (NM_001406797.1, NM_001406801.1, NM_001406805.1 and 10 more transcripts); c.372_374delinsTTAT, p.Thr126fs (NM_001406804.1); c.-479_-477delinsTTAT (NM_001406807.1); c.-545_-543delinsTTAT (NM_001406814.1); and 5 more; short protein forms T152fs, T184fs, T53fs, T126fs, T96fs.
Identifiers: ClinVar variation 3398875 (VCV003398875.1).
Genomic context (GRCh38, chr2:47,791,116, plus strand): 5'-TGTACAGTTTTTTGATGACAGCCCAACAAGGGGCTGGGTTAGCAAAAGGCTTTTAAAGCC[ATA>TTAT]TACAGGTAAGAGTCACTACTGCCATGTGTGTGTGTTTGTGTGTGTGTGTGTGTGTGTGAG-3'